The following is an entry in ClinVar:

NC_000005.9:g.(?_178548652)_(178700075_?)dup

Gene: ADAMTS2 (ADAM metallopeptidase with thrombospondin type 1 motif 2; minus strand). Cytogenetic location: 5q35.3.
Variant type: Duplication.
Identifiers: ClinVar variation 1518873 (VCV001518873.5).

ClinVar aggregate classification (germline): Likely pathogenic (1 of 4 stars; one submission).

Conditions:
Ehlers-Danlos syndrome, dermatosparaxis type. Also called: EDS VIIC; Dermatosparaxis; Ehlers-Danlos syndrome, type VII, autosomal recessive. Identifiers: Orphanet 1901, MedGen C2700425, MONDO:0009161, OMIM 225410.

Submission:

Labcorp Genetics (formerly Invitae), Labcorp
Classification: Likely pathogenic for Ehlers-Danlos syndrome, dermatosparaxis type. Last evaluated: 2021-09-05. Review status: criteria provided, single submitter. Criteria: Invitae Variant Classification Sherloc (09022015). Collection method: clinical testing. Allele origin: germline.
Comment: This variant results in a copy number gain of the genomic region encompassing exon(s) 3-21 of the ADAMTS2 gene. While the exact position of this variant cannot be determined from the data, sub-genic copy number gains are generally in tandem (PMID: 25640679). This variant is predicted to be out-of-frame, and may result in an absent or disrupted protein product. Loss-of-function variants in ADAMTS2 are known to be pathogenic (PMID: 10417273). This variant has not been reported in the literature in individuals affected with ADAMTS2-related conditions. In summary, the currently available evidence indicates that the variant is pathogenic, but additional data are needed to prove that conclusively. Therefore, this variant has been classified as Likely Pathogenic.

Literature cited by the submitters: PubMed 25640679; PubMed 10417273.